The following is an entry in ClinVar:

ClinVar aggregate classification (germline): Uncertain significance (1 of 4 stars; one submission).

Conditions:
Klippel-Feil syndrome 1, autosomal dominant (KFS1). Also called: CERVICAL VERTEBRAL FUSION, AUTOSOMAL DOMINANT. Identifiers: Orphanet 2345, MedGen C1861689, MONDO:0007306, OMIM 118100.
Microphthalmia, isolated, with coloboma 6 (MCOPCB6). Also called: Microphthalmia with coloboma 6, digenic; Microphthalmia with coloboma 6; MICROPHTHALMIA/COLOBOMA 6. Identifiers: Orphanet 98938, MedGen C3150968, MONDO:0013376, OMIM 613703.
Isolated microphthalmia 4. Identifiers: Orphanet 2542, MedGen C2751307, MONDO:0013130, OMIM 613094.
Leber congenital amaurosis 17 (LCA17). Identifiers: Orphanet 65, MedGen C3715164, MONDO:0014145, OMIM 615360.

Allele frequency attached by ClinVar (database versions not stated): 1000 Genomes Project 30x 0.00016; 1000 Genomes Project 0.00020.

Submission:

Labcorp Genetics (formerly Invitae), Labcorp
Classification: Uncertain significance for Isolated microphthalmia 4; Leber congenital amaurosis 17; Klippel-Feil syndrome 1, autosomal dominant; Microphthalmia, isolated, with coloboma 6. Last evaluated: 2021-12-30. Review status: criteria provided, single submitter. Criteria: Invitae Variant Classification Sherloc (09022015). Collection method: clinical testing. Allele origin: germline.
Comment: In summary, the available evidence is currently insufficient to determine the role of this variant in disease. Therefore, it has been classified as a Variant of Uncertain Significance. Algorithms developed to predict the effect of missense changes on protein structure and function are either unavailable or do not agree on the potential impact of this missense change (SIFT: "Deleterious"; PolyPhen-2: "Benign"; Align-GVGD: "Class C0"). This variant has not been reported in the literature in individuals affected with GDF6-related conditions. This variant is present in population databases (rs552234954, gnomAD 0.02%). This sequence change replaces glycine, which is neutral and non-polar, with arginine, which is basic and polar, at codon 211 of the GDF6 protein (p.Gly211Arg).

NM_001001557.4(GDF6):c.631G>C (p.Gly211Arg)

Gene: GDF6 (growth differentiation factor 6; minus strand). Cytogenetic location: 8q22.1.
Variant type: single nucleotide variant.
Coding change: c.631G>C on transcript NM_001001557.4 (MANE Select); coding-DNA position 631, G replaced by C.
Protein change: p.Gly211Arg; replaces glycine 211 with arginine.
Molecular consequence: missense variant.
Genome position (GRCh38, 1-based): chr8:96,145,300, C>G on the plus strand (G>C on the coding strand, the complement: GDF6 is on the minus strand). VCF-style: chr8-96145300-C-G. GRCh37 (hg19) VCF-style: chr8-97157528-C-G.
Other names: short protein forms G211R.
Identifiers: ClinVar variation 2078230 (VCV002078230.4), dbSNP rs552234954, ClinGen allele CA181485051.